The following is an entry in ClinVar:

NM_014795.4(ZEB2):c.404-3C>T

Gene: ZEB2 (zinc finger E-box binding homeobox 2; minus strand). Cytogenetic location: 2q22.3.
Variant type: single nucleotide variant.
Coding change: c.404-3C>T on transcript NM_014795.4 (MANE Select); 3 bases into the intron before coding-DNA position 404, C replaced by T.
Molecular consequence: intron variant.
Genome position (GRCh38, 1-based): chr2:144,405,027, G>A on the plus strand (C>T on the coding strand, the complement: ZEB2 is on the minus strand). VCF-style: chr2-144405027-G-A. GRCh37 (hg19) VCF-style: chr2-145162594-G-A.
Other names: c.332-3C>T (NM_001171653.2).
Identifiers: ClinVar variation 4776577 (VCV004776577.1).
Genomic context (GRCh38, chr2:144,405,027, plus strand): 5'-TCCAGTTTTCTTTTGGCAAAGTATTCCTCAAAATCTGATGTGCAATTTGCATTCTTCACT[G>A]AAATCATAAAAGGAGAAGAAATGTTGTTTCCGGGCCTTCTTCCTAGGATCCCAAGTCCAT-3'

ClinVar aggregate classification (germline): Uncertain significance (1 of 4 stars; one submission).

Conditions:
Mowat-Wilson syndrome (MOWS). Also called: Classic Mowat-Wilson Syndrome. Identifiers: Orphanet 2152, MedGen C1856113, MONDO:0009341, OMIM 235730.

Submission:

Labcorp Genetics (formerly Invitae), Labcorp
Classification: Uncertain significance for Mowat-Wilson syndrome. Last evaluated: 2025-07-02. Review status: criteria provided, single submitter. Criteria: Invitae Variant Classification Sherloc (09022015). Collection method: clinical testing. Allele origin: germline.
Comment: This sequence change falls in intron 4 of the ZEB2 gene. It does not directly change the encoded amino acid sequence of the ZEB2 protein. It affects a nucleotide within the consensus splice site. This variant is not present in population databases (gnomAD no frequency). This variant has not been reported in the literature in individuals affected with ZEB2-related conditions. Variants that disrupt the consensus splice site are a relatively common cause of aberrant splicing (PMID: 17576681, 9536098). Algorithms developed to predict the effect of sequence changes on RNA splicing suggest that this variant is not likely to affect RNA splicing. In summary, the available evidence is currently insufficient to determine the role of this variant in disease. Therefore, it has been classified as a Variant of Uncertain Significance.

Literature cited by the submitters: PubMed 17576681; PubMed 9536098.